The following is an entry in ClinVar:

ClinVar aggregate classification (germline): Uncertain significance. Review status: criteria provided, multiple submitters, no conflicts (2 of 4 stars). 2 submissions from 2 submitters: Uncertain significance (2). Last evaluated 2026-10-01.

Conditions:
Deficiency of alpha-mannosidase (MANSA). Also called: Alpha-Mannosidosis; Mannosidosis, alpha-, types I and II; LYSOSOMAL ALPHA-D-MANNOSIDASE DEFICIENCY. Identifiers: Orphanet 61, MedGen C0024748, MONDO:0009561, OMIM 248500.

gnomAD v4.1: 23 of 1,613,256 alleles (0.0014%); highest among the groups gnomAD compares: Non-Finnish European, 0.002%; no homozygotes.

Submissions (2):

CeGaT Center for Human Genetics Tuebingen
Classification: Uncertain significance. Last evaluated: 2026-10-01. Review status: criteria provided, single submitter. Criteria: CeGaT Center For Human Genetics Tuebingen Variant Classification Criteria Version 2. Collection method: clinical testing. Allele origin: germline. Affected: yes. Observed: 1 variant allele.
Comment: MAN2B1: PM2, BP4

Labcorp Genetics (formerly Invitae), Labcorp
Classification: Uncertain significance for Deficiency of alpha-mannosidase. Last evaluated: 2021-08-28. Review status: criteria provided, single submitter. Criteria: Invitae Variant Classification Sherloc (09022015). Collection method: clinical testing. Allele origin: germline.
Comment: This sequence change replaces proline with threonine at codon 978 of the MAN2B1 protein (p.Pro978Thr). The proline residue is weakly conserved and there is a small physicochemical difference between proline and threonine. This variant is not present in population databases (ExAC no frequency). This variant has not been reported in the literature in individuals affected with MAN2B1-related conditions. Algorithms developed to predict the effect of missense changes on protein structure and function output the following: SIFT: "Tolerated"; PolyPhen-2: "Benign"; Align-GVGD: "Class C0". The threonine amino acid residue is found in multiple mammalian species, which suggests that this missense change does not adversely affect protein function. In summary, the available evidence is currently insufficient to determine the role of this variant in disease. Therefore, it has been classified as a Variant of Uncertain Significance.

NM_000528.4(MAN2B1):c.2932C>A (p.Pro978Thr)

Gene: MAN2B1 (mannosidase alpha class 2B member 1; minus strand). Cytogenetic location: 19p13.13.
Variant type: single nucleotide variant.
Coding change: c.2932C>A on transcript NM_000528.4 (MANE Select); coding-DNA position 2932, C replaced by A.
Protein change: p.Pro978Thr; replaces proline 978 with threonine.
Molecular consequence: missense variant.
Genome position (GRCh38, 1-based): chr19:12,646,724, G>T on the plus strand (C>A on the coding strand, the complement: MAN2B1 is on the minus strand). VCF-style: chr19-12646724-G-T. GRCh37 (hg19) VCF-style: chr19-12757538-G-T.
Other names: c.2929C>A, p.Pro977Thr (NM_001173498.2); short protein forms P978T, P977T.
Identifiers: ClinVar variation 1401214 (VCV001401214.6), dbSNP rs763382948, ClinGen allele CA404237080.